The following is an entry in ClinVar:

ClinVar aggregate classification (germline): Uncertain significance. Review status: criteria provided, multiple submitters, no conflicts (2 of 4 stars). 2 submissions from 2 submitters: Uncertain significance (2). Last evaluated 2024-10-09.

Conditions:
Charcot-Marie-Tooth disease axonal type 2O. Also called: Charcot-Marie-Tooth Neuropathy Type 2O; CHARCOT-MARIE-TOOTH NEUROPATHY, AXONAL, TYPE 2O; CHARCOT-MARIE-TOOTH DISEASE, AXONAL, AUTOSOMAL DOMINANT, TYPE 2O; Charcot-Marie-Tooth disease, axonal, type 20. Identifiers: Orphanet 284232, MedGen C3280220, MONDO:0013644, OMIM 614228.

Allele frequency attached by ClinVar (database versions not stated): gnomAD exomes below 0.00001.

Submissions (2):

Labcorp Genetics (formerly Invitae), Labcorp
Classification: Uncertain significance for Charcot-Marie-Tooth disease axonal type 2O. Last evaluated: 2024-10-09. Review status: criteria provided, single submitter. Criteria: Invitae Variant Classification Sherloc (09022015). Collection method: clinical testing. Allele origin: germline.
Comment: This sequence change falls in intron 53 of the DYNC1H1 gene. It does not directly change the encoded amino acid sequence of the DYNC1H1 protein. It affects a nucleotide within the consensus splice site. This variant is not present in population databases (gnomAD no frequency). This variant has not been reported in the literature in individuals affected with DYNC1H1-related conditions. ClinVar contains an entry for this variant (Variation ID: 930391). Variants that disrupt the consensus splice site are a relatively common cause of aberrant splicing (PMID: 17576681, 9536098). Algorithms developed to predict the effect of sequence changes on RNA splicing suggest that this variant is not likely to affect RNA splicing. In summary, the available evidence is currently insufficient to determine the role of this variant in disease. Therefore, it has been classified as a Variant of Uncertain Significance.

Centre for Mendelian Genomics, University Medical Centre Ljubljana
Classification: Uncertain significance for Charcot-Marie-Tooth disease axonal type 2O. Last evaluated: 2016-01-01. Review status: criteria provided, single submitter. Criteria: ACMG Guidelines, 2015. Collection method: clinical testing. Allele origin: unknown. Affected: yes.
Comment: This variant was classified as: Uncertain significance. The following ACMG criteria were applied in classifying this variant: PM2,BP4.

Literature cited by the submitters: PubMed 17576681 (cited by Labcorp Genetics (formerly Invitae), Labcorp); PubMed 9536098 (cited by Labcorp Genetics (formerly Invitae), Labcorp).

NM_001376.5(DYNC1H1):c.10197+3G>A

Gene: DYNC1H1 (dynein cytoplasmic 1 heavy chain 1; plus strand). Cytogenetic location: 14q32.31.
Variant type: single nucleotide variant.
Coding change: c.10197+3G>A on transcript NM_001376.5 (MANE Select); 3 bases into the intron after coding-DNA position 10197, G replaced by A.
Molecular consequence: intron variant.
Genome position (GRCh38, 1-based): chr14:102,033,185, G>A. VCF-style: chr14-102033185-G-A. GRCh37 (hg19) VCF-style: chr14-102499522-G-A.
Identifiers: ClinVar variation 930391 (VCV000930391.5), dbSNP rs2048529897, ClinGen allele CA1139663750.